The following is an entry in ClinVar:

NM_017763.6(RNF43):c.1681C>T (p.Arg561Trp)

Gene: RNF43 (ring finger protein 43; minus strand). Cytogenetic location: 17q22.
Variant type: single nucleotide variant.
Coding change: c.1681C>T on transcript NM_017763.6 (MANE Select); coding-DNA position 1681, C replaced by T.
Protein change: p.Arg561Trp; replaces arginine 561 with tryptophan.
Molecular consequence: missense variant.
Genome position (GRCh38, 1-based): chr17:58,358,095, G>A on the plus strand (C>T on the coding strand, the complement: RNF43 is on the minus strand). VCF-style: chr17-58358095-G-A. GRCh37 (hg19) VCF-style: chr17-56435456-G-A.
Other names: c.1681C>T, p.Arg561Trp (NM_001305544.3); c.1300C>T, p.Arg434Trp (NM_001305545.2); c.1681C>T (NM_017763.4); short protein forms R434W, R561W.
Identifiers: ClinVar variation 2678417 (VCV002678417.2), dbSNP rs756000629, ClinGen allele CA8673134.

ClinVar aggregate classification (germline): Uncertain significance. Review status: criteria provided, multiple submitters, no conflicts (2 of 4 stars). 2 submissions from 2 submitters: Uncertain significance (2). Last evaluated 2025-02-13.

Conditions:
Sessile serrated polyposis cancer syndrome (SSPCS). Identifiers: Orphanet 157798, MedGen C4310714, MONDO:0014919, OMIM 617108.

Allele frequency attached by ClinVar (database versions not stated): gnomAD exomes 0.00001; ExAC 0.00002.
gnomAD v4.1: 9 of 1,609,982 alleles (0.00056%); highest among the groups gnomAD compares: Admixed American, 0.0034%; no homozygotes.

Submissions (2):

Ambry Genetics
Classification: Uncertain significance. Last evaluated: 2025-02-13. Review status: criteria provided, single submitter. Criteria: Ambry Variant Classification Scheme 2023. Collection method: clinical testing. Allele origin: germline.
Comment: The p.R561W variant (also known as c.1681C>T), located in coding exon 8 of the RNF43 gene, results from a C to T substitution at nucleotide position 1681. The arginine at codon 561 is replaced by tryptophan, an amino acid with dissimilar properties. This amino acid position is well conserved in available vertebrate species. In addition, this alteration is predicted to be tolerated by in silico analysis. The evidence for this gene-disease relationship is limited; therefore, the clinical significance of this alteration is unclear.

Baylor Genetics
Classification: Uncertain significance for Sessile serrated polyposis cancer syndrome. Last evaluated: 2023-06-26. Review status: criteria provided, single submitter. Criteria: ACMG Guidelines, 2015. Collection method: clinical testing. Allele origin: unknown.